The following is an entry in ClinVar:

ClinVar aggregate classification (germline): Benign. Review status: criteria provided, multiple submitters, no conflicts (2 of 4 stars). 2 submissions from 2 submitters: Benign (2). Last evaluated 2018-06-14.

Allele frequency attached by ClinVar (database versions not stated): ESP Exome Variant Server 0.03504; gnomAD 0.09378 and 0.09646; TOPMed 0.09886; gnomAD exomes 0.09980; 1000 Genomes Project 0.11542; 1000 Genomes Project 30x 0.11649.
gnomAD v4.1: 148,664 of 1,498,234 alleles (9.9%); highest among the groups gnomAD compares: Admixed American, 14%; 7,413 homozygotes.

Submissions (2):

GeneDx
Classification: Benign. Last evaluated: 2018-06-14. Review status: criteria provided, single submitter. Criteria: GeneDx Variant Classification (06012015). Collection method: clinical testing. Allele origin: germline. Affected: yes.
Comment: This variant is considered likely benign or benign based on one or more of the following criteria: it is a conservative change, it occurs at a poorly conserved position in the protein, it is predicted to be benign by multiple in silico algorithms, and/or has population frequency not consistent with disease.

Breakthrough Genomics
Classification: Benign. Review status: criteria provided, single submitter. Criteria: ACMG Guidelines, 2015. Collection method: not provided. Allele origin: germline. Inheritance: Autosomal recessive inheritance. Affected: yes.

NM_000310.4(PPT1):c.433+59T>A

Gene: PPT1 (palmitoyl-protein thioesterase 1; minus strand). Cytogenetic location: 1p34.2.
Variant type: single nucleotide variant.
Coding change: c.433+59T>A on transcript NM_000310.4 (MANE Select); 59 bases into the intron after coding-DNA position 433, T replaced by A.
Molecular consequence: intron variant.
Genome position (GRCh38, 1-based): chr1:40,091,270, A>T on the plus strand (T>A on the coding strand, the complement: PPT1 is on the minus strand). VCF-style: chr1-40091270-A-T. GRCh37 (hg19) VCF-style: chr1-40556942-A-T.
Other names: c.125-1758T>A (NM_001142604.2); c.433+59T>A (NM_001363695.2).
Identifiers: ClinVar variation 670785 (VCV000670785.2), dbSNP rs56654546, ClinGen allele CA10978648.
Genomic context (GRCh38, chr1:40,091,270, plus strand): 5'-AACAGGATTTTGCAAGAATGGCTGATGTCTTGTGCAAATATAGTTCCTAGATTTTTTTTT[A>T]AATCAGGTGGTCATGTGGGTTAGAATACAGAAAAAAGAAAGCAAAGAGGCAAAGTTACCT-3'